The following is an entry in ClinVar:

ClinVar aggregate classification (germline): Uncertain significance (1 of 4 stars; one submission).

Conditions:
Nephronophthisis. Also called: Juvenile Nephronophthisis. Identifiers: Orphanet 655, MedGen C0687120, MONDO:0019005, HP:0000090.

Allele frequency attached by ClinVar (database versions not stated): gnomAD 0.00001; gnomAD exomes below 0.00001; TOPMed below 0.00001.
gnomAD v4.1: 2 of 1,586,870 alleles (0.00013%); highest among the groups gnomAD compares: Non-Finnish European, 0.00017%; no homozygotes.

Submission:

Labcorp Genetics (formerly Invitae), Labcorp
Classification: Uncertain significance for Nephronophthisis. Last evaluated: 2022-08-22. Review status: criteria provided, single submitter. Criteria: Invitae Variant Classification Sherloc (09022015). Collection method: clinical testing. Allele origin: germline.
Comment: In summary, the available evidence is currently insufficient to determine the role of this variant in disease. Therefore, it has been classified as a Variant of Uncertain Significance. Algorithms developed to predict the effect of missense changes on protein structure and function output the following: SIFT: "Tolerated"; PolyPhen-2: "Benign"; Align-GVGD: "Class C0". The alanine amino acid residue is found in multiple mammalian species, which suggests that this missense change does not adversely affect protein function. This variant has not been reported in the literature in individuals affected with NPHP4-related conditions. The frequency data for this variant in the population databases is considered unreliable, as metrics indicate poor data quality at this position in the gnomAD database. This sequence change replaces threonine, which is neutral and polar, with alanine, which is neutral and non-polar, at codon 523 of the NPHP4 protein (p.Thr523Ala).

NM_015102.5(NPHP4):c.1567A>G (p.Thr523Ala)

Gene: NPHP4 (nephrocystin 4; minus strand). Cytogenetic location: 1p36.31.
Variant type: single nucleotide variant.
Coding change: c.1567A>G on transcript NM_015102.5 (MANE Select); coding-DNA position 1567, A replaced by G.
Protein change: p.Thr523Ala; replaces threonine 523 with alanine.
Molecular consequence: missense variant. On other transcripts: non-coding transcript variant (1), intron variant (2).
Genome position (GRCh38, 1-based): chr1:5,907,159, T>C on the plus strand (A>G on the coding strand, the complement: NPHP4 is on the minus strand). VCF-style: chr1-5907159-T-C. GRCh37 (hg19) VCF-style: chr1-5967219-T-C.
Other names: c.76-1376A>G (NM_001291594.2); c.76-1379A>G (NM_001291593.2); short protein forms T523A.
Identifiers: ClinVar variation 1962312 (VCV001962312.5), dbSNP rs1416325257, ClinGen allele CA338056918.